The following is an entry in ClinVar:

NM_006445.4(PRPF8):c.2401A>G (p.Ile801Val)

Gene: PRPF8 (pre-mRNA processing factor 8; minus strand). Cytogenetic location: 17p13.3.
Variant type: single nucleotide variant.
Coding change: c.2401A>G on transcript NM_006445.4 (MANE Select); coding-DNA position 2401, A replaced by G.
Protein change: p.Ile801Val; replaces isoleucine 801 with valine.
Molecular consequence: missense variant.
Genome position (GRCh38, 1-based): chr17:1,676,358, T>C on the plus strand (A>G on the coding strand, the complement: PRPF8 is on the minus strand). VCF-style: chr17-1676358-T-C. GRCh37 (hg19) VCF-style: chr17-1579652-T-C.
Other names: short protein forms I801V.
Identifiers: ClinVar variation 3661689 (VCV003661689.2).
Genomic context (GRCh38, chr17:1,676,358, plus strand): 5'-TGCGGCTTTCCAACCAATGCACTGTGGTGGTATATACTGCCACTGCTTCCTCCGCTGTGA[T>C]GTAAGGCCCGTCCTGTAAGGTGGACATGAAATTAGCCTCCCGCTACAGCCCGATCCTGCC-3'
Protein context (NP_006436.3, residues 791-811): QHNYLKDGPY[Ile801Val]TAEEAVAVYT

ClinVar aggregate classification (germline): Uncertain significance (1 of 4 stars; one submission).

gnomAD v4.1: 3 of 1,614,074 alleles (0.00019%); highest among the groups gnomAD compares: Admixed American, 0.0017%; no homozygotes.

Submission:

Labcorp Genetics (formerly Invitae), Labcorp
Classification: Uncertain significance. Last evaluated: 2024-08-07. Review status: criteria provided, single submitter. Criteria: Invitae Variant Classification Sherloc (09022015). Collection method: clinical testing. Allele origin: germline.
Comment: This sequence change replaces isoleucine, which is neutral and non-polar, with valine, which is neutral and non-polar, at codon 801 of the PRPF8 protein (p.Ile801Val). This variant is present in population databases (no rsID available, gnomAD 0.007%). This variant has not been reported in the literature in individuals affected with PRPF8-related conditions. Advanced modeling of protein sequence and biophysical properties (such as structural, functional, and spatial information, amino acid conservation, physicochemical variation, residue mobility, and thermodynamic stability) performed at Invitae indicates that this missense variant is not expected to disrupt PRPF8 protein function with a negative predictive value of 80%. In summary, the available evidence is currently insufficient to determine the role of this variant in disease. Therefore, it has been classified as a Variant of Uncertain Significance.